The following is an entry in ClinVar:

NM_014679.5(CEP57):c.626A>C (p.Lys209Thr)

Gene: CEP57 (centrosomal protein 57; plus strand). Cytogenetic location: 11q21.
Variant type: single nucleotide variant.
Coding change: c.626A>C on transcript NM_014679.5 (MANE Select); coding-DNA position 626, A replaced by C.
Protein change: p.Lys209Thr; replaces lysine 209 with threonine.
Molecular consequence: missense variant.
Genome position (GRCh38, 1-based): chr11:95,818,831, A>C. VCF-style: chr11-95818831-A-C. GRCh37 (hg19) VCF-style: chr11-95551995-A-C.
Other names: c.599A>C, p.Lys200Thr (NM_001243776.2); c.626A>C, p.Lys209Thr (NM_001243777.2); c.545A>C, p.Lys182Thr (NM_001363604.2); short protein forms K200T, K209T, K182T.
Identifiers: ClinVar variation 953931 (VCV000953931.9), dbSNP rs1862408972, ClinGen allele CA382423650.

ClinVar aggregate classification (germline): Uncertain significance (1 of 4 stars; one submission).

Conditions:
Mosaic variegated aneuploidy syndrome 2 (MVA2). Identifiers: Orphanet 1052, MedGen C3279843, MONDO:0013582, OMIM 614114.

Allele frequency attached by ClinVar (database versions not stated): gnomAD exomes below 0.00001.
gnomAD v4.1: 1 of 1,613,770 alleles (0.000062%); highest among the groups gnomAD compares: Non-Finnish European, 0.000085%; no homozygotes.

Submission:

Labcorp Genetics (formerly Invitae), Labcorp
Classification: Uncertain significance for Mosaic variegated aneuploidy syndrome 2. Last evaluated: 2019-09-03. Review status: criteria provided, single submitter. Criteria: Invitae Variant Classification Sherloc (09022015). Collection method: clinical testing. Allele origin: germline.
Comment: This sequence change replaces lysine with threonine at codon 209 of the CEP57 protein (p.Lys209Thr). The lysine residue is highly conserved and there is a moderate physicochemical difference between lysine and threonine. In summary, the available evidence is currently insufficient to determine the role of this variant in disease. Therefore, it has been classified as a Variant of Uncertain Significance. Algorithms developed to predict the effect of missense changes on protein structure and function (SIFT, PolyPhen-2, Align-GVGD) all suggest that this variant is likely to be disruptive, but these predictions have not been confirmed by published functional studies and their clinical significance is uncertain. This variant has not been reported in the literature in individuals with CEP57-related conditions. This variant is not present in population databases (ExAC no frequency).